The following is an entry in ClinVar:

ClinVar aggregate classification (germline): Uncertain significance (1 of 4 stars; one submission).

Submission:

Women's Health and Genetics/Laboratory Corporation of America, LabCorp
Classification: Uncertain significance. Last evaluated: 2022-08-02. Review status: criteria provided, single submitter. Criteria: LabCorp Variant Classification Summary - May 2015. Collection method: clinical testing. Allele origin: germline.
Comment: Variant summary: The variant identified by MLPA or other technology involves the duplication of the entire coding sequence (i.e. exons 3-13) of the BMPR1A gene. A presumed nomenclature of c.(?_-152-1)_(c.*1_?)dup has been designated for the purposes of this classification. It has been assumed that this is a tandem duplication in direct orientation (Richardson_GIM_2018, Newman_AJHG_2015). Since exact breakpoints of this duplication are not known, it might extend beyond the assayed region of the BMPR1A gene, including other flanking genes. The variant was absent in 21694 control chromosomes (gnomAD database, structural variants dataset). The available data on variant occurrences in the general population are insufficient to allow any conclusion about variant significance. To our knowledge, no occurrence of c.(?_-152-1)_(c.*1_?)dup in individuals affected with Juvenile Polyposis Syndrome and no experimental evidence demonstrating its impact on protein function have been reported. At least one clinical diagnostic laboratory has submitted clinical-significance assessments for this variant to ClinVar after 2014, and classified the variant as uncertain significance. Based on the evidence outlined above, the variant was classified as uncertain significance.

NC_000010.10:g.(?_88635623)_(88683477_?)dup

Gene: BMPR1A (bone morphogenetic protein receptor type 1A; plus strand). Cytogenetic location: 10q23.2.
Variant type: Duplication.
Identifiers: ClinVar variation 1705162 (VCV001705162.1).